The following is an entry in ClinVar:

ClinVar aggregate classification (germline): Conflicting classifications of pathogenicity. Review status: criteria provided, conflicting classifications (1 of 4 stars). 2 submissions from 2 submitters: Uncertain significance (1); Benign (1). Last evaluated 2025-11-03.

Conditions:
Familial cold autoinflammatory syndrome 2 (FCAS2). Identifiers: Orphanet 247868, MedGen C2673198, MONDO:0012724, OMIM 611762.

Allele frequency attached by ClinVar (database versions not stated): ExAC 0.00004; gnomAD exomes 0.00004; ESP Exome Variant Server 0.00008; TOPMed 0.00008; gnomAD 0.00011 and 0.00012.
gnomAD v4.1: 46 of 1,613,696 alleles (0.0029%); highest among the groups gnomAD compares: African/African-American, 0.033%; no homozygotes.

Submissions (3):

Labcorp Genetics (formerly Invitae), Labcorp
Classification: Uncertain significance for Familial cold autoinflammatory syndrome 2. Last evaluated: 2025-11-03. Review status: criteria provided, single submitter. Criteria: Invitae Variant Classification Sherloc (09022015). Collection method: clinical testing. Allele origin: germline.
Comment: This sequence change replaces arginine, which is basic and polar, with glutamine, which is neutral and polar, at codon 919 of the NLRP12 protein (p.Arg919Gln). This variant also falls at the last nucleotide of exon 7, which is part of the consensus splice site for this exon. This variant is present in population databases (rs201596732, gnomAD 0.03%). This variant has not been reported in the literature in individuals affected with NLRP12-related conditions. ClinVar contains an entry for this variant (Variation ID: 894520). An algorithm developed to predict the effect of missense changes on protein structure and function (PolyPhen-2) suggests that this variant is likely to be disruptive. Variants that disrupt the consensus splice site are a relatively common cause of aberrant splicing (PMID: 17576681, 9536098). In summary, the available evidence is currently insufficient to determine the role of this variant in disease. Therefore, it has been classified as a Variant of Uncertain Significance.

Illumina Laboratory Services, Illumina
Classification: Benign for Familial cold autoinflammatory syndrome 2. Last evaluated: 2018-03-12. Review status: criteria provided, single submitter. Criteria: ICSL Variant Classification Criteria 13 December 2019. Collection method: clinical testing. Allele origin: germline.
Comment: This variant was observed in the ICSL laboratory as part of a predisposition screen in an ostensibly healthy population. It had not been previously curated by ICSL or reported in the Human Gene Mutation Database (HGMD: prior to June 1st, 2018), and was therefore a candidate for classification through an automated scoring system. Utilizing variant allele frequency, disease prevalence and penetrance estimates, and inheritance mode, an automated score was calculated to assess if this variant is too frequent to cause the disease. Based on the score and internal cut-off values, a variant classified as benign is not then subjected to further curation. The score for this variant resulted in a classification of benign for this disease.

Dr. Peter K. Rogan Lab, Western University
No classification provided (evidence only). Condition: Ovarian serous cystadenocarcinoma. Review status: no classification provided. Collection method: in vitro. Allele origin: not applicable. Functional consequence: retained intron. Not counted in ClinVar's aggregate classification.

Literature cited by the submitters: PubMed 17576681 (cited by Labcorp Genetics (formerly Invitae), Labcorp); PubMed 9536098 (cited by Labcorp Genetics (formerly Invitae), Labcorp).

NM_144687.4(NLRP12):c.2756G>A (p.Arg919Gln)

Gene: NLRP12 (NLR family pyrin domain containing 12; minus strand). Cytogenetic location: 19q13.42.
Variant type: single nucleotide variant.
Coding change: c.2756G>A on transcript NM_144687.4 (MANE Select); coding-DNA position 2756, G replaced by A.
Protein change: p.Arg919Gln; replaces arginine 919 with glutamine.
Molecular consequence: missense variant.
Genome position (GRCh38, 1-based): chr19:53,801,227, C>T on the plus strand (G>A on the coding strand, the complement: NLRP12 is on the minus strand). VCF-style: chr19-53801227-C-T. GRCh37 (hg19) VCF-style: chr19-54304481-C-T.
Other names: c.2759G>A, p.Arg920Gln (NM_001277126.2); c.2756G>A, p.Arg919Gln (NM_001277129.1); short protein forms R919Q, R920Q.
Identifiers: ClinVar variation 894520 (VCV000894520.13), dbSNP rs201596732, ClinGen allele CA9638939.